The following is an entry in ClinVar:

ClinVar aggregate classification (germline): Uncertain significance (1 of 4 stars; one submission).

Submission:

Labcorp Genetics (formerly Invitae), Labcorp
Classification: Uncertain significance. Last evaluated: 2025-08-30. Review status: criteria provided, single submitter. Criteria: Invitae Variant Classification Sherloc (09022015). Collection method: clinical testing. Allele origin: germline.
Comment: This sequence change replaces serine, which is neutral and polar, with isoleucine, which is neutral and non-polar, at codon 199 of the TSPAN12 protein (p.Ser199Ile). This variant is not present in population databases (gnomAD no frequency). This variant has not been reported in the literature in individuals affected with TSPAN12-related conditions. Invitae Evidence Modeling of protein sequence and biophysical properties (such as structural, functional, and spatial information, amino acid conservation, physicochemical variation, residue mobility, and thermodynamic stability) indicates that this missense variant is not expected to disrupt TSPAN12 protein function with a negative predictive value of 80%. In summary, the available evidence is currently insufficient to determine the role of this variant in disease. Therefore, it has been classified as a Variant of Uncertain Significance.

NM_012338.4(TSPAN12):c.596G>T (p.Ser199Ile)

Gene: TSPAN12 (tetraspanin 12; minus strand). Cytogenetic location: 7q31.31.
Variant type: single nucleotide variant.
Coding change: c.596G>T on transcript NM_012338.4 (MANE Select); coding-DNA position 596, G replaced by T.
Protein change: p.Ser199Ile; replaces serine 199 with isoleucine.
Molecular consequence: missense variant.
Genome position (GRCh38, 1-based): chr7:120,806,565, C>A on the plus strand (G>T on the coding strand, the complement: TSPAN12 is on the minus strand). VCF-style: chr7-120806565-C-A. GRCh37 (hg19) VCF-style: chr7-120446619-C-A.
Other names: short protein forms S199I.
Identifiers: ClinVar variation 4732515 (VCV004732515.1).